The following is an entry in ClinVar:

ClinVar aggregate classification (germline): Uncertain significance (1 of 4 stars; one submission).

Allele frequency attached by ClinVar (database versions not stated): gnomAD exomes below 0.00001; gnomAD 0.00002; TOPMed 0.00002.
gnomAD v4.1: 9 of 1,606,768 alleles (0.00056%); highest among the groups gnomAD compares: Non-Finnish European, 0.00077%; no homozygotes.

Submission:

Labcorp Genetics (formerly Invitae), Labcorp
Classification: Uncertain significance. Last evaluated: 2021-07-17. Review status: criteria provided, single submitter. Criteria: Invitae Variant Classification Sherloc (09022015). Collection method: clinical testing. Allele origin: germline.
Comment: This sequence change replaces arginine with glycine at codon 1000 of the COL18A1 protein (p.Arg1000Gly). There is a moderate physicochemical difference between arginine and glycine. This variant is not present in population databases (ExAC no frequency). This variant has not been reported in the literature in individuals with COL18A1-related conditions. Experimental studies and prediction algorithms are not available or were not evaluated, and the functional significance of this variant is currently unknown. In summary, the available evidence is currently insufficient to determine the role of this variant in disease. Therefore, it has been classified as a Variant of Uncertain Significance.

NM_001379500.1(COL18A1):c.3007A>G (p.Arg1003Gly)

Genes: COL18A1 (collagen type XVIII alpha 1 chain; plus strand), SLC19A1 (solute carrier family 19 member 1; minus strand). Cytogenetic location: 21q22.3.
Variant type: single nucleotide variant.
Coding change: c.3007A>G on transcript NM_001379500.1 (MANE Select); coding-DNA position 3007, A replaced by G.
Protein change: p.Arg1003Gly; replaces arginine 1003 with glycine.
Molecular consequence: missense variant.
Genome position (GRCh38, 1-based): chr21:45,505,272, A>G. VCF-style: chr21-45505272-A-G. GRCh37 (hg19) VCF-style: chr21-46925186-A-G.
Other names: c.3538A>G, p.Arg1180Gly (NM_030582.4); c.4243A>G, p.Arg1415Gly (NM_130444.3); short protein forms R1003G, R1180G, R1415G.
Identifiers: ClinVar variation 1493483 (VCV001493483.3), dbSNP rs1208643659, ClinGen allele CA410499636.
Genomic context (GRCh38, chr21:45,505,272, plus strand): 5'-CGCCAGGGCCCTCCCGGCCCCCCAGGCCCCCCAGGGCCCCCTTCATTTCCTGGCCCTCAC[A>G]GGCAGAGTAAGTCAGTGGGGAGTGGGCCCCGGGCAGAGGCCGCCTCGTGTGGCTTCGTGT-3'
Protein context (NP_001366429.1, residues 993-1013): PGPPSFPGPH[Arg1003Gly]QTISVPGPPG